The following is an entry in ClinVar:

NM_005609.4(PYGM):c.730del (p.Leu244fs)

Gene: PYGM (glycogen phosphorylase, muscle associated; minus strand). Cytogenetic location: 11q13.1.
Variant type: Deletion.
Coding change: c.730del on transcript NM_005609.4 (MANE Select); coding-DNA position 730, one base deleted (C; older notation c.730delC).
Protein change: p.Leu244fs; shifts the reading frame from leucine 244.
Molecular consequence: frameshift variant.
Genome position (GRCh38, 1-based): chr11:64,755,489, G deleted on the plus strand (C on the coding strand, the reverse complement: PYGM is on the minus strand); the first of 2 consecutive G bases (chr11:64,755,489-64,755,490); deleting either gives the same sequence. VCF-style (leftmost placement, unchanged base first): chr11-64755488-AG-A. GRCh37 (hg19) VCF-style: chr11-64522960-AG-A.
Other names: c.466del, p.Leu156fs (NM_001164716.1); short protein forms L244fs, L156fs.
Identifiers: ClinVar variation 1457488 (VCV001457488.6), dbSNP rs2135836491, ClinGen allele CA2573147431.

ClinVar aggregate classification (germline): Pathogenic (1 of 4 stars; one submission).

Conditions:
Glycogen storage disease, type V (GSD5). Also called: PYGM DEFICIENCY; MCARDLE DISEASE; MUSCLE GLYCOGEN PHOSPHORYLASE DEFICIENCY; MYOPHOSPHORYLASE DEFICIENCY; McArdle type glycogen storage disease. Identifiers: Orphanet 368, MedGen C0017924, MONDO:0009293, OMIM 232600.

Submission:

Labcorp Genetics (formerly Invitae), Labcorp
Classification: Pathogenic for Glycogen storage disease, type V. Last evaluated: 2021-04-25. Review status: criteria provided, single submitter. Criteria: Invitae Variant Classification Sherloc (09022015). Collection method: clinical testing. Allele origin: germline.
Comment: This sequence change creates a premature translational stop signal (p.Leu244Serfs*51) in the PYGM gene. It is expected to result in an absent or disrupted protein product. Loss-of-function variants in PYGM are known to be pathogenic (PMID: 8316268, 16786513). For these reasons, this variant has been classified as Pathogenic. This variant has not been reported in the literature in individuals with PYGM-related conditions. This variant is not present in population databases (ExAC no frequency).

Literature cited by the submitters: PubMed 8316268; PubMed 16786513.